The following is an entry in ClinVar:

NM_000257.4(MYH7):c.3094del (p.Asp1032fs)

Gene: MYH7 (myosin heavy chain 7; minus strand). Cytogenetic location: 14q11.2.
Variant type: Deletion.
Coding change: c.3094del on transcript NM_000257.4 (MANE Select); coding-DNA position 3094, one base deleted (G; older notation c.3094delG).
Protein change: p.Asp1032fs; shifts the reading frame from aspartic acid 1032.
Molecular consequence: frameshift variant.
Genome position (GRCh38, 1-based): chr14:23,423,552, C deleted on the plus strand (G on the coding strand, the reverse complement: MYH7 is on the minus strand); the first of 2 consecutive C bases (chr14:23,423,552-23,423,553); deleting either gives the same sequence. VCF-style (leftmost placement, unchanged base first): chr14-23423551-TC-T. GRCh37 (hg19) VCF-style: chr14-23892760-TC-T.
Other names: c.3094del, p.Asp1032fs (NM_001407004.1); short protein forms D1032fs.
Identifiers: ClinVar variation 3073970 (VCV003073970.1), dbSNP rs2502277545, ClinGen allele CA2624235974.
Genomic context (GRCh38, chr14:23,423,551, plus strand): 5'-CTCTGGGCACAGATAGACATGGCATATCTAGGCCCCACAACTCTCAATCTACTCACATCA[TC>T]CACTTGCTGCTCCAGCTTGACTTTGGCCTTAGTCAGGGTGTTGACCTTGTCCTCCTCGGC-3'

ClinVar aggregate classification (germline): Uncertain significance (1 of 4 stars; one submission).

Conditions:
Cardiomyopathy (CMYO). Also called: Cardiomyopathies. Identifiers: Orphanet 167848, MedGen C0878544, MONDO:0004994, HP:0001638. Inheritance: Various modes of inheritance.

Submission:

All of Us Research Program, National Institutes of Health
Classification: Uncertain significance for Cardiomyopathy. Last evaluated: 2023-11-30. Review status: criteria provided, single submitter. Criteria: ACMG Guidelines, 2015. Collection method: clinical testing. Allele origin: germline. Inheritance: Autosomal dominant inheritance. Observed: 1 variant allele, 1 heterozygote.
Comment: This study involves interpretation of variants in research participants for the purpose of population health screening. Participant phenotype was not available at the time of variant classification. Additional details can be found in publication PMID: 35346344, PMCID: PMC8962531